The following is an entry in ClinVar:

ClinVar aggregate classification (germline): Uncertain significance. Review status: criteria provided, multiple submitters, no conflicts (2 of 4 stars). 2 submissions from 2 submitters: Uncertain significance (2). Last evaluated 2025-06-18.

Conditions:
Neuroblastoma, susceptibility to, 3. Also called: ALK-Related Neuroblastic Tumor Susceptibility. Identifiers: Orphanet 635, MedGen C2751681, MONDO:0013083, OMIM 613014.
Hereditary cancer-predisposing syndrome. Also called: Hereditary neoplastic syndrome; Tumor predisposition; Hereditary Cancer Syndrome; Neoplastic Syndromes, Hereditary. Identifiers: Orphanet 140162, MedGen C0027672, MeSH D009386, MONDO:0015356.

Allele frequency attached by ClinVar (database versions not stated): ExAC 0.00001; gnomAD 0.00001; gnomAD exomes 0.00001; TOPMed 0.00001.
gnomAD v4.1: 1 of 1,613,684 alleles (0.000062%); highest among the groups gnomAD compares: Admixed American, 0.0017%; no homozygotes.

Submissions (2):

Labcorp Genetics (formerly Invitae), Labcorp
Classification: Uncertain significance for Neuroblastoma, susceptibility to, 3. Last evaluated: 2025-06-18. Review status: criteria provided, single submitter. Criteria: Invitae Variant Classification Sherloc (09022015). Collection method: clinical testing. Allele origin: germline.
Comment: This sequence change replaces valine, which is neutral and non-polar, with isoleucine, which is neutral and non-polar, at codon 526 of the ALK protein (p.Val526Ile). This variant is present in population databases (rs749779880, gnomAD 0.01%). This variant has not been reported in the literature in individuals affected with ALK-related conditions. ClinVar contains an entry for this variant (Variation ID: 1420296). An algorithm developed to predict the effect of missense changes on protein structure and function outputs the following: PolyPhen-2: "Benign". The isoleucine amino acid residue is found in multiple mammalian species, which suggests that this missense change does not adversely affect protein function. In summary, the available evidence is currently insufficient to determine the role of this variant in disease. Therefore, it has been classified as a Variant of Uncertain Significance.

Ambry Genetics
Classification: Uncertain significance for Hereditary cancer-predisposing syndrome. Last evaluated: 2023-11-29. Review status: criteria provided, single submitter. Criteria: Ambry Variant Classification Scheme 2023. Collection method: clinical testing. Allele origin: germline.
Comment: The p.V526I variant (also known as c.1576G>A), located in coding exon 8 of the ALK gene, results from a G to A substitution at nucleotide position 1576. The valine at codon 526 is replaced by isoleucine, an amino acid with highly similar properties. This amino acid position is conserved. In addition, this alteration is predicted to be tolerated by in silico analysis. Since supporting evidence is limited at this time, the clinical significance of this alteration remains unclear.

NM_004304.5(ALK):c.1576G>A (p.Val526Ile)

Gene: ALK (ALK receptor tyrosine kinase; minus strand). Cytogenetic location: 2p23.2.
Variant type: single nucleotide variant.
Coding change: c.1576G>A on transcript NM_004304.5 (MANE Select); coding-DNA position 1576, G replaced by A.
Protein change: p.Val526Ile; replaces valine 526 with isoleucine.
Molecular consequence: missense variant.
Genome position (GRCh38, 1-based): chr2:29,318,375, C>T on the plus strand (G>A on the coding strand, the complement: ALK is on the minus strand). VCF-style: chr2-29318375-C-T. GRCh37 (hg19) VCF-style: chr2-29541241-C-T.
Other names: c.1576G>A (NM_004304.4); short protein forms V526I.
Identifiers: ClinVar variation 1420296 (VCV001420296.7), dbSNP rs749779880, ClinGen allele CA1594604.